The following is an entry in ClinVar:

ClinVar aggregate classification (germline): Uncertain significance (1 of 4 stars; one submission).

Conditions:
Inborn genetic diseases. Identifiers: MedGen C0950123, MeSH D030342.

gnomAD v4.1: 1 of 1,614,070 alleles (0.000062%); no homozygotes.

Submission:

Ambry Genetics
Classification: Uncertain significance for Inborn genetic diseases. Last evaluated: 2022-02-24. Review status: criteria provided, single submitter. Criteria: Ambry Variant Classification Scheme 2023. Collection method: clinical testing. Allele origin: germline.
Comment: The p.P1930L variant (also known as c.5789C>T), located in coding exon 40 of the LRRK2 gene, results from a C to T substitution at nucleotide position 5789. The proline at codon 1930 is replaced by leucine, an amino acid with similar properties. This amino acid position is conserved. In addition, this alteration is predicted to be deleterious by in silico analysis. Since supporting evidence is limited at this time, the clinical significance of this alteration remains unclear.

NM_198578.4(LRRK2):c.5789C>T (p.Pro1930Leu)

Gene: LRRK2 (leucine rich repeat kinase 2; plus strand). Cytogenetic location: 12q12.
Variant type: single nucleotide variant.
Coding change: c.5789C>T on transcript NM_198578.4 (MANE Select); coding-DNA position 5789, C replaced by T.
Protein change: p.Pro1930Leu; replaces proline 1930 with leucine.
Molecular consequence: missense variant.
Genome position (GRCh38, 1-based): chr12:40,334,998, C>T. VCF-style: chr12-40334998-C-T. GRCh37 (hg19) VCF-style: chr12-40728800-C-T.
Other names: short protein forms P1930L.
Identifiers: ClinVar variation 1749632 (VCV001749632.2), dbSNP rs1235657147, ClinGen allele CA384401913.